The following is an entry in ClinVar:

ClinVar aggregate classification (germline): Uncertain significance (1 of 4 stars; one submission).

Conditions:
Pierson syndrome. Also called: MICROCORIA-CONGENITAL NEPHROTIC SYNDROME. Identifiers: Orphanet 2670, MedGen C1836876, MONDO:0012184, OMIM 609049.
LAMB2-related infantile-onset nephrotic syndrome. Also called: Nephrotic Syndrome, type 5; NEPHROTIC SYNDROME, TYPE 5, WITHOUT OCULAR ABNORMALITIES; NEPHROTIC SYNDROME, TYPE 5, WITH OCULAR ABNORMALITIES. Identifiers: Orphanet 306507, MedGen C3280113, MONDO:0013621, OMIM 614199.

Allele frequency attached by ClinVar (database versions not stated): gnomAD exomes below 0.00001; TOPMed below 0.00001; ExAC 0.00002.
gnomAD v4.1: 1 of 1,613,548 alleles (0.000062%); highest among the groups gnomAD compares: East Asian, 0.0022%; no homozygotes.

Submission:

Labcorp Genetics (formerly Invitae), Labcorp
Classification: Uncertain significance for LAMB2-related infantile-onset nephrotic syndrome; Pierson syndrome. Last evaluated: 2022-03-13. Review status: criteria provided, single submitter. Criteria: Invitae Variant Classification Sherloc (09022015). Collection method: clinical testing. Allele origin: germline.
Comment: In summary, the available evidence is currently insufficient to determine the role of this variant in disease. Therefore, it has been classified as a Variant of Uncertain Significance. Algorithms developed to predict the effect of missense changes on protein structure and function (SIFT, PolyPhen-2, Align-GVGD) all suggest that this variant is likely to be disruptive. This variant has not been reported in the literature in individuals affected with LAMB2-related conditions. This variant is present in population databases (rs771959670, gnomAD 0.02%). This sequence change replaces lysine, which is basic and polar, with isoleucine, which is neutral and non-polar, at codon 1601 of the LAMB2 protein (p.Lys1601Ile).

NM_002292.4(LAMB2):c.4802A>T (p.Lys1601Ile)

Gene: LAMB2 (laminin subunit beta 2; minus strand). Cytogenetic location: 3p21.31.
Variant type: single nucleotide variant.
Coding change: c.4802A>T on transcript NM_002292.4 (MANE Select); coding-DNA position 4802, A replaced by T.
Protein change: p.Lys1601Ile; replaces lysine 1601 with isoleucine.
Molecular consequence: missense variant.
Genome position (GRCh38, 1-based): chr3:49,122,065, T>A on the plus strand (A>T on the coding strand, the complement: LAMB2 is on the minus strand). VCF-style: chr3-49122065-T-A. GRCh37 (hg19) VCF-style: chr3-49159498-T-A.
Other names: short protein forms K1601I.
Identifiers: ClinVar variation 2183258 (VCV002183258.4), dbSNP rs771959670, ClinGen allele CA2393692.